The following is an entry in ClinVar:

NM_021140.3(KDM6A):c.1529_1533del5

Gene: KDM6A (lysine demethylase 6A; plus strand). Cytogenetic location: Xp11.3.
Variant type: Deletion.
Coding change: c.1529_1533del5 on transcript NM_021140.3; coding-DNA positions 1529 to 1533, 5 bases deleted (TGAGA; older notation c.1529_1533del5TGAGA).
Genome position (GRCh38, 1-based): chrX:45,063,423-45,063,427, TGAGA deleted; deleting any 5 consecutive bases within chrX:45,063,420-45,063,427 gives the same sequence; the c. name uses the placement nearest the transcript's 3' end. VCF-style (leftmost placement, unchanged base first): chrX-45063419-CAGATG-C. GRCh37 (hg19) VCF-style: chrX-44922664-CAGATG-C.
Identifiers: ClinVar variation 4997952 (VCV004997952.1).
Genomic context (GRCh38, chrX:45,063,419, plus strand): 5'-TATAGATTCTCTTCCCTATAGATTACACAACCAGCATTTACTTTTCCTTTGTTTTTTTGA[CAGATG>C]AGACCAACAGGAGTTGCACAGGTACGATCTACTGGAATTCCTAATGGGCCAACAGCTGAC-3'

ClinVar aggregate classification (germline): Likely pathogenic (1 of 4 stars; one submission).

Conditions:
KDM6A-related disorder. Also called: KDM6A-related condition.

Submission:

PreventionGenetics, part of Exact Sciences
Classification: Likely pathogenic for KDM6A-related condition. Last evaluated: 2025-02-23. Review status: criteria provided, single submitter. Criteria: ACMG Guidelines, 2015. Collection method: clinical testing. Allele origin: germline.
Comment: The KDM6A c.1529_1533del5 variant is predicted to result in a frameshift and premature protein termination (p.Met510Thrfs*14). To our knowledge, this variant has not been reported in the literature or in a large population database (gnomAD), indicating this variant is rare. Frameshift variants in KDM6A are expected to be pathogenic. This variant is interpreted as likely pathogenic.